The following is an entry in ClinVar:

NM_006158.5(NEFL):c.1576G>A (p.Glu526Lys)

Gene: NEFL (neurofilament light chain; minus strand). Cytogenetic location: 8p21.2.
Variant type: single nucleotide variant.
Coding change: c.1576G>A on transcript NM_006158.5 (MANE Select); coding-DNA position 1576, G replaced by A.
Protein change: p.Glu526Lys; replaces glutamic acid 526 with lysine.
Molecular consequence: missense variant.
Genome position (GRCh38, 1-based): chr8:24,952,866, C>T on the plus strand (G>A on the coding strand, the complement: NEFL is on the minus strand). VCF-style: chr8-24952866-C-T. GRCh37 (hg19) VCF-style: chr8-24810379-C-T.
Other names: c.1576G>A (NM_006158.3); short protein forms E526K.
Identifiers: ClinVar variation 2721350 (VCV002721350.4), dbSNP rs546077415, ClinGen allele CA4681228.
Genomic context (GRCh38, chr8:24,952,866, plus strand): 5'-GGGTTCAATCTTTCTTCTTAGCTGCTTGTTCCTCCCCAGCACCTTCAACTTTCTTCTCCT[C>T]CTCTTCAGCTTCTTTGGTTTCCTCTCCTTCTTCACCTTCACCTCCTTCTTCTTCTTCTTT-3'
Protein context (NP_006149.2, residues 516-536): EGEETKEAEE[Glu526Lys]EKKVEGAGEE

ClinVar aggregate classification (germline): Uncertain significance. Review status: criteria provided, multiple submitters, no conflicts (2 of 4 stars). 2 submissions from 2 submitters: Uncertain significance (2). Last evaluated 2024-06-13.

Conditions:
Inborn genetic diseases. Identifiers: MedGen C0950123, MeSH D030342.
Charcot-Marie-Tooth disease type 2E (CMT2E). Also called: CHARCOT-MARIE-TOOTH DISEASE, AXONAL, TYPE 2E; CHARCOT-MARIE-TOOTH NEUROPATHY, TYPE 2E. Identifiers: Orphanet 99939, MedGen C1843225, MONDO:0011894, OMIM 607684.

Allele frequency attached by ClinVar (database versions not stated): TOPMed 0.00003; gnomAD 0.00004; 1000 Genomes Project 30x 0.00031; 1000 Genomes Project 0.00040.
gnomAD v4.1: 7 of 1,610,466 alleles (0.00043%); highest among the groups gnomAD compares: African/African-American, 0.008%; no homozygotes.

Submissions (2):

Ambry Genetics
Classification: Uncertain significance for Inborn genetic diseases. Last evaluated: 2024-06-13. Review status: criteria provided, single submitter. Criteria: Ambry Variant Classification Scheme 2023. Collection method: clinical testing. Allele origin: germline.

Labcorp Genetics (formerly Invitae), Labcorp
Classification: Uncertain significance for Charcot-Marie-Tooth disease type 2E. Last evaluated: 2023-11-24. Review status: criteria provided, single submitter. Criteria: Invitae Variant Classification Sherloc (09022015). Collection method: clinical testing. Allele origin: germline.
Comment: This sequence change replaces glutamic acid, which is acidic and polar, with lysine, which is basic and polar, at codon 526 of the NEFL protein (p.Glu526Lys). This variant is present in population databases (rs546077415, gnomAD 0.02%). This variant has not been reported in the literature in individuals affected with NEFL-related conditions. Algorithms developed to predict the effect of missense changes on protein structure and function output the following: SIFT: "Not Available"; PolyPhen-2: "Not Available"; Align-GVGD: "Not Available". The lysine amino acid residue is found in multiple mammalian species, which suggests that this missense change does not adversely affect protein function. In summary, the available evidence is currently insufficient to determine the role of this variant in disease. Therefore, it has been classified as a Variant of Uncertain Significance.